The following is an entry in ClinVar:

ClinVar aggregate classification (germline): Likely pathogenic. Review status: criteria provided, multiple submitters, no conflicts (2 of 4 stars). 2 submissions from 2 submitters: Likely pathogenic (2). Last evaluated 2026-09-01.

Conditions:
Hypophosphatasia. Also called: Phosphoethanol-aminuria. Identifiers: Orphanet 436, MedGen C0020630, MeSH D007014, MONDO:0018570.

Submissions (2):

Genomenon, Inc
Classification: Likely pathogenic for Hypophosphatasia. Last evaluated: 2026-09-01. Review status: criteria provided, single submitter. Criteria: Genomenon Sequence Variant Interpretation Standards - Updated. Collection method: curation. Allele origin: germline. Affected: yes.
Comment: ALPL p.Ala96Pro (c.286G>C) is a missense variant that changes the amino acid at codon 96 from Alanine to Proline. This variant has been observed in at least one proband affected with an ALPL-related disorder (PMID:33191482). At least one functional study has demonstrated a substantial alteration in protein function relative to the wild-type (PMID:40386289). It is absent or not present at a significant frequency in gnomAD. In silico models predict that this variant is possibly or probably damaging. In conclusion, we classify ALPL p.Ala96Pro (c.286G>C) as a likely pathogenic variant.

JKU Lab, Dept of Paediatrics, Johannes Kepler University
Classification: Likely pathogenic for Hypophosphatasia. Last evaluated: 2023-04-25. Review status: criteria provided, single submitter. Criteria: ACMG Guidelines, 2015. Collection method: clinical testing. Allele origin: germline. Affected: yes. Observed: 1 heterozygote.
Comment: Absent in GnomAD. Functional testing at the JKU lab showed reduced ALP residual activity. The functional test results and ACMG criteria applied can be looked up in the ALPL gene variant database.

Literature cited by the submitters: PubMed 33191482 (cited by Genomenon, Inc and JKU Lab, Dept of Paediatrics, Johannes Kepler University); PubMed 40386289 (cited by Genomenon, Inc).

NM_000478.6(ALPL):c.286G>C (p.Ala96Pro)

Gene: ALPL (alkaline phosphatase, biomineralization associated; plus strand). Cytogenetic location: 1p36.12.
Variant type: single nucleotide variant.
Coding change: c.286G>C on transcript NM_000478.6 (MANE Select); coding-DNA position 286, G replaced by C.
Protein change: p.Ala96Pro; replaces alanine 96 with proline.
Molecular consequence: missense variant. On other transcripts: intron variant (1).
Genome position (GRCh38, 1-based): chr1:21,561,201, G>C. VCF-style: chr1-21561201-G-C. GRCh37 (hg19) VCF-style: chr1-21887694-G-C.
Other names: c.121G>C, p.Ala41Pro (NM_001127501.4); c.286G>C, p.Ala96Pro (NM_001369803.2, NM_001369804.2, NM_001369805.2); c.66+456G>C (NM_001177520.3); short protein forms A41P, A96P.
Identifiers: ClinVar variation 2671816 (VCV002671816.3), dbSNP rs2545292484, ClinGen allele CA338878231.